The following is an entry in ClinVar:

ClinVar aggregate classification (germline): Uncertain significance (1 of 4 stars; one submission).

Allele frequency attached by ClinVar (database versions not stated): TOPMed below 0.00001.

Submission:

Labcorp Genetics (formerly Invitae), Labcorp
Classification: Uncertain significance. Last evaluated: 2026-01-05. Review status: criteria provided, single submitter. Criteria: Invitae Variant Classification Sherloc (09022015). Collection method: clinical testing. Allele origin: germline.
Comment: This sequence change replaces valine, which is neutral and non-polar, with alanine, which is neutral and non-polar, at codon 596 of the NBAS protein (p.Val596Ala). This variant is not present in population databases (gnomAD no frequency). This variant has not been reported in the literature in individuals affected with NBAS-related conditions. ClinVar contains an entry for this variant (Variation ID: 2834192). Invitae Evidence Modeling of protein sequence and biophysical properties (such as structural, functional, and spatial information, amino acid conservation, physicochemical variation, residue mobility, and thermodynamic stability) indicates that this missense variant is not expected to disrupt NBAS protein function with a negative predictive value of 95%. In summary, the available evidence is currently insufficient to determine the role of this variant in disease. Therefore, it has been classified as a Variant of Uncertain Significance.

NM_015909.4(NBAS):c.1787T>C (p.Val596Ala)

Gene: NBAS (NBAS subunit of NRZ tethering complex; minus strand). Cytogenetic location: 2p24.3.
Variant type: single nucleotide variant.
Coding change: c.1787T>C on transcript NM_015909.4 (MANE Select); coding-DNA position 1787, T replaced by C.
Protein change: p.Val596Ala; replaces valine 596 with alanine.
Molecular consequence: missense variant. On other transcripts: non-coding transcript variant (1).
Genome position (GRCh38, 1-based): chr2:15,468,472, A>G on the plus strand (T>C on the coding strand, the complement: NBAS is on the minus strand). VCF-style: chr2-15468472-A-G. GRCh37 (hg19) VCF-style: chr2-15608596-A-G.
Other names: short protein forms V596A.
Identifiers: ClinVar variation 2834192 (VCV002834192.3), dbSNP rs748552040, ClinGen allele CA345884669.
Genomic context (GRCh38, chr2:15,468,472, plus strand): 5'-AAAAGAGCCTCCAGGTCTGTGCCTTTTAATCCATACTGAAGCAGTTCTTTTGCAGCATCC[A>G]CATTTTCAGGAACTCTTTCCAAACACTCATGGAGAACCCAGGATCGCTTCTTTATTTTAC-3'
Protein context (NP_056993.2, residues 586-606): HECLERVPEN[Val596Ala]DAAKELLQYG